The following is an entry in ClinVar:

NM_020778.5(ALPK3):c.3541A>G (p.Thr1181Ala)

Gene: ALPK3 (alpha kinase 3; plus strand). Cytogenetic location: 15q25.3.
Variant type: single nucleotide variant.
Coding change: c.3541A>G on transcript NM_020778.5 (MANE Select); coding-DNA position 3541, A replaced by G.
Protein change: p.Thr1181Ala; replaces threonine 1181 with alanine.
Molecular consequence: missense variant.
Genome position (GRCh38, 1-based): chr15:84,858,279, A>G. VCF-style: chr15-84858279-A-G. GRCh37 (hg19) VCF-style: chr15-85401510-A-G.
Other names: short protein forms T1181A.
Identifiers: ClinVar variation 2001921 (VCV002001921.4), dbSNP rs2505722234, ClinGen allele CA393360469.
Genomic context (GRCh38, chr15:84,858,279, plus strand): 5'-CTAGGGGCCCGGAGGAAGAGATTTCTCCCTAAGGTCAGAGCAGCAGGAGACGGGGAGGCA[A>G]CCACACCTGAAGAAAGGGAGAGCCCCACGGTTTCCCCCCGGGGGCCCAGGAAAAGCCTGG-3'
Protein context (NP_065829.4, residues 1171-1191): KVRAAGDGEA[Thr1181Ala]TPEERESPTV

ClinVar aggregate classification (germline): Uncertain significance (1 of 4 stars; one submission).

Allele frequency attached by ClinVar (database versions not stated): gnomAD exomes below 0.00001.
gnomAD v4.1: 1 of 1,588,284 alleles (0.000063%); highest among the groups gnomAD compares: Non-Finnish European, 0.000086%; no homozygotes.

Submission:

Labcorp Genetics (formerly Invitae), Labcorp
Classification: Uncertain significance. Last evaluated: 2022-06-02. Review status: criteria provided, single submitter. Criteria: Invitae Variant Classification Sherloc (09022015). Collection method: clinical testing. Allele origin: germline.
Comment: This variant is not present in population databases (gnomAD no frequency). In summary, the available evidence is currently insufficient to determine the role of this variant in disease. Therefore, it has been classified as a Variant of Uncertain Significance. Algorithms developed to predict the effect of missense changes on protein structure and function output the following: SIFT: "Tolerated"; PolyPhen-2: "Benign"; Align-GVGD: "Class C0". The alanine amino acid residue is found in multiple mammalian species, which suggests that this missense change does not adversely affect protein function. This variant has not been reported in the literature in individuals affected with ALPK3-related conditions. This sequence change replaces threonine, which is neutral and polar, with alanine, which is neutral and non-polar, at codon 1383 of the ALPK3 protein (p.Thr1383Ala).